The following is an entry in ClinVar:

NM_001849.4(COL6A2):c.483C>T (p.Thr161=)

Gene: COL6A2 (collagen type VI alpha 2 chain; plus strand). Cytogenetic location: 21q22.3.
Variant type: single nucleotide variant.
Coding change: c.483C>T on transcript NM_001849.4 (MANE Select); coding-DNA position 483, C replaced by T.
Protein change: p.Thr161=; no amino-acid change (threonine 161 retained).
Molecular consequence: synonymous variant.
Genome position (GRCh38, 1-based): chr21:46,112,346, C>T. VCF-style: chr21-46112346-C-T. GRCh37 (hg19) VCF-style: chr21-47532260-C-T.
Other names: c.483C>T, p.Thr161= (NM_058174.3, NM_058175.3).
Identifiers: ClinVar variation 196331 (VCV000196331.23), dbSNP rs138312213, ClinGen allele CA202308.
Genomic context (GRCh38, chr21:46,112,346, plus strand): 5'-GACGGAGCAGATCCGGCAGGACCGCAGCAAGGGCACCGTCCACTTCGCCGTGGTCATCAC[C>T]GACGGCCACGTCACCGGCAGCCCCTGCGGGGGCATCAAGCTGCAGGCCGAGCGGGCCCGC-3'
Protein context (NP_001840.3, residues 151-171): KGTVHFAVVI[Thr161=]DGHVTGSPCG

ClinVar aggregate classification (germline): Benign/Likely benign. Review status: criteria provided, multiple submitters, no conflicts (2 of 4 stars). 6 submissions from 6 submitters: Benign (2); Likely benign (4). Last evaluated 2026-09-01.

Conditions:
Collagen 6-related myopathy. Identifiers: MedGen CN117976, MONDO:0100225.
Bethlem myopathy 1A. Also called: Bethlem Muscular Dystrophy; MYOPATHY, BENIGN CONGENITAL, WITH CONTRACTURES; Bethlem myopathy 1. Identifiers: Orphanet 610, MedGen CN029274, MONDO:0024530, OMIM 158810.

Allele frequency attached by ClinVar (database versions not stated): gnomAD exomes 0.00054; ExAC 0.00064; gnomAD 0.00163; TOPMed 0.00190; ESP Exome Variant Server 0.00225; 1000 Genomes Project 30x 0.00359; 1000 Genomes Project 0.00379.
gnomAD v4.1: 619 of 1,609,606 alleles (0.038%); highest among the groups gnomAD compares: African/African-American, 0.66%; 5 homozygotes.

Submissions (6):

CeGaT Center for Human Genetics Tuebingen
Classification: Likely benign. Last evaluated: 2026-09-01. Review status: criteria provided, single submitter. Criteria: CeGaT Center For Human Genetics Tuebingen Variant Classification Criteria Version 2. Collection method: clinical testing. Allele origin: germline. Affected: yes. Observed: 1 variant allele.
Comment: COL6A2: BP4, BP7

Labcorp Genetics (formerly Invitae), Labcorp
Classification: Benign for Bethlem myopathy 1A. Last evaluated: 2026-01-27. Review status: criteria provided, single submitter. Criteria: Invitae Variant Classification Sherloc (09022015). Collection method: clinical testing. Allele origin: germline.

GeneDx
Classification: Likely benign. Last evaluated: 2018-05-07. Review status: criteria provided, single submitter. Criteria: GeneDx Variant Classification Process June 2021. Collection method: clinical testing. Allele origin: germline. Affected: yes.

Illumina Laboratory Services, Illumina
Classification: Benign for Collagen VI-related myopathy. Last evaluated: 2018-01-13. Review status: criteria provided, single submitter. Criteria: ICSL Variant Classification Criteria 13 December 2019. Collection method: clinical testing. Allele origin: germline.
Comment: This variant was observed in the ICSL laboratory as part of a predisposition screen in an ostensibly healthy population. It had not been previously curated by ICSL or reported in the Human Gene Mutation Database (HGMD: prior to June 1st, 2018), and was therefore a candidate for classification through an automated scoring system. Utilizing variant allele frequency, disease prevalence and penetrance estimates, and inheritance mode, an automated score was calculated to assess if this variant is too frequent to cause the disease. Based on the score and internal cut-off values, a variant classified as benign is not then subjected to further curation. The score for this variant resulted in a classification of benign for this disease.

Eurofins Ntd Llc (ga)
Classification: Likely benign. Last evaluated: 2014-11-26. Review status: criteria provided, single submitter. Criteria: EGL Classification Definitions 2015. Collection method: clinical testing. Allele origin: germline. Observed: 1 variant allele, 1 heterozygote.

Breakthrough Genomics
Classification: Likely benign. Review status: criteria provided, single submitter. Criteria: ACMG Guidelines, 2015. Collection method: not provided. Allele origin: germline. Inheritance: Autosomal recessive inheritance. Affected: yes.